The following is an entry in ClinVar:

ClinVar aggregate classification (germline): Uncertain significance (1 of 4 stars; one submission).

Conditions:
Hereditary cancer-predisposing syndrome. Also called: Hereditary neoplastic syndrome; Tumor predisposition; Hereditary Cancer Syndrome; Neoplastic Syndromes, Hereditary. Identifiers: Orphanet 140162, MedGen C0027672, MeSH D009386, MONDO:0015356.

Allele frequency attached by ClinVar (database versions not stated): gnomAD exomes below 0.00001.
gnomAD v4.1: 1 of 1,614,114 alleles (0.000062%); highest among the groups gnomAD compares: Non-Finnish European, 0.000085%; no homozygotes.

Submission:

Ambry Genetics
Classification: Uncertain significance for Hereditary cancer-predisposing syndrome. Last evaluated: 2023-06-21. Review status: criteria provided, single submitter. Criteria: Ambry Variant Classification Scheme 2023. Collection method: clinical testing. Allele origin: germline.
Comment: The p.N1455D variant (also known as c.4363A>G), located in coding exon 15 of the APC gene, results from an A to G substitution at nucleotide position 4363. The asparagine at codon 1455 is replaced by aspartic acid, an amino acid with highly similar properties. This amino acid position is conserved. In addition, in silico predictors for this gene do not accurately predict pathogenicity. Since supporting evidence is limited at this time, the clinical significance of this alteration remains unclear.

NM_000038.6(APC):c.4363A>G (p.Asn1455Asp)

Gene: APC (APC regulator of Wnt signaling pathway; plus strand). Cytogenetic location: 5q22.2.
Variant type: single nucleotide variant.
Coding change: c.4363A>G on transcript NM_000038.6 (MANE Select); coding-DNA position 4363, A replaced by G.
Protein change: p.Asn1455Asp; replaces asparagine 1455 with aspartic acid.
Molecular consequence: missense variant. On other transcripts: non-coding transcript variant (2).
Genome position (GRCh38, 1-based): chr5:112,839,957, A>G. VCF-style: chr5-112839957-A-G. GRCh37 (hg19) VCF-style: chr5-112175654-A-G.
Other names: c.4363A>G, p.Asn1455Asp (NM_001127510.3, NM_001354895.2, NM_001407450.1); c.4309A>G, p.Asn1437Asp (NM_001127511.3); c.4417A>G, p.Asn1473Asp (NM_001354896.2, NM_001407447.1, NM_001407448.1 and 1 more transcripts); c.4393A>G, p.Asn1465Asp (NM_001354897.2); c.4288A>G, p.Asn1430Asp (NM_001354898.2); c.4279A>G, p.Asn1427Asp (NM_001354899.2); c.4240A>G, p.Asn1414Asp (NM_001354900.2); c.4186A>G, p.Asn1396Asp (NM_001354901.2, NM_001407453.1); and 11 more; short protein forms N1172D, N1326D, N1396D, N1465D, N1329D, N1445D, N1455D, N1483D.
Identifiers: ClinVar variation 2586975 (VCV002586975.2), dbSNP rs1580647114, ClinGen allele CA16030887.
Genomic context (GRCh38, chr5:112,839,957, plus strand): 5'-AGAAGTAAAACACCTCCACCACCTCCTCAAACAGCTCAAACCAAGCGAGAAGTACCTAAA[A>G]ATAAAGCACCTACTGCTGAAAAGAGAGAGAGTGGACCTAAGCAAGCTGCAGTAAATGCTG-3'
Protein context (NP_000029.2, residues 1445-1465): TAQTKREVPK[Asn1455Asp]KAPTAEKRES